The following is an entry in ClinVar:

NM_173651.4(FSIP2):c.617+34T>A

Gene: FSIP2 (fibrous sheath interacting protein 2; plus strand). Cytogenetic location: 2q32.1.
Variant type: single nucleotide variant.
Coding change: c.617+34T>A on transcript NM_173651.4 (MANE Select); 34 bases into the intron after coding-DNA position 617, T replaced by A.
Molecular consequence: intron variant.
Genome position (GRCh38, 1-based): chr2:185,745,602, T>A. VCF-style: chr2-185745602-T-A. GRCh37 (hg19) VCF-style: chr2-186610329-T-A.
Identifiers: ClinVar variation 5006168 (VCV005006168.2).

ClinVar aggregate classification (germline): Uncertain significance (1 of 4 stars; one submission).

Conditions:
Spermatogenic failure 34. Identifiers: MedGen C4748403, MONDO:0029148, OMIM 618153.

Submission:

Juno Genomics, Hangzhou Juno Genomics, Inc
Classification: Uncertain significance for Spermatogenic failure 34. Review status: criteria provided, single submitter. Criteria: ACMG Guidelines, 2015. Collection method: clinical testing. Allele origin: germline.
Comment: Absent from controls (or at extremely low frequency if recessive) in Genome Aggregation Database.;Multiple lines of computational evidence suggest no impact on gene or gene product.